The following is an entry in ClinVar:

NM_005216.5(DDOST):c.154+5G>A

Gene: DDOST (dolichyl-diphosphooligosaccharide--protein glycosyltransferase non-catalytic subunit; minus strand). Cytogenetic location: 1p36.12.
Variant type: single nucleotide variant.
Coding change: c.154+5G>A on transcript NM_005216.5 (MANE Select); 5 bases into the intron after coding-DNA position 154, G replaced by A.
Molecular consequence: intron variant.
Genome position (GRCh38, 1-based): chr1:20,661,192, C>T on the plus strand (G>A on the coding strand, the complement: DDOST is on the minus strand). VCF-style: chr1-20661192-C-T. GRCh37 (hg19) VCF-style: chr1-20987685-C-T.
Identifiers: ClinVar variation 2699633 (VCV002699633.3), dbSNP rs2545284922, ClinGen allele CA2697552226.

ClinVar aggregate classification (germline): Uncertain significance (1 of 4 stars; one submission).

Conditions:
Congenital disorder of glycosylation type Ir (CDG1R). Also called: DDOST-congenital disorder of glycosylation. Identifiers: Orphanet 300536, MedGen C3281084, MONDO:0013789, OMIM 614507.

Submission:

Labcorp Genetics (formerly Invitae), Labcorp
Classification: Uncertain significance for Congenital disorder of glycosylation type Ir. Last evaluated: 2024-10-24. Review status: criteria provided, single submitter. Criteria: Invitae Variant Classification Sherloc (09022015). Collection method: clinical testing. Allele origin: germline.
Comment: This sequence change falls in intron 1 of the DDOST gene. It does not directly change the encoded amino acid sequence of the DDOST protein. It affects a nucleotide within the consensus splice site. This variant is not present in population databases (gnomAD no frequency). This variant has not been reported in the literature in individuals affected with DDOST-related conditions. Variants that disrupt the consensus splice site are a relatively common cause of aberrant splicing (PMID: 17576681, 9536098). Algorithms developed to predict the effect of sequence changes on RNA splicing suggest that this variant may disrupt the consensus splice site. In summary, the available evidence is currently insufficient to determine the role of this variant in disease. Therefore, it has been classified as a Variant of Uncertain Significance.

Literature cited by the submitters: PubMed 17576681; PubMed 9536098.